The following is an entry in ClinVar:

NM_000287.4(PEX6):c.1137G>T (p.Arg379=)

Gene: PEX6 (peroxisomal biogenesis factor 6; minus strand). Cytogenetic location: 6p21.1.
Variant type: single nucleotide variant.
Coding change: c.1137G>T on transcript NM_000287.4 (MANE Select); coding-DNA position 1137, G replaced by T.
Protein change: p.Arg379=; no amino-acid change (arginine 379 retained).
Molecular consequence: synonymous variant. On other transcripts: non-coding transcript variant (1).
Genome position (GRCh38, 1-based): chr6:42,969,981, C>A on the plus strand (G>T on the coding strand, the complement: PEX6 is on the minus strand). VCF-style: chr6-42969981-C-A. GRCh37 (hg19) VCF-style: chr6-42937719-C-A.
Other names: c.1137G>T (NM_000287.3); c.873G>T, p.Arg291= (NM_001316313.2).
Identifiers: ClinVar variation 1159812 (VCV001159812.12), dbSNP rs766574538, ClinGen allele CA3811431.

ClinVar aggregate classification (germline): Likely benign. Review status: criteria provided, multiple submitters, no conflicts (2 of 4 stars). 3 submissions from 3 submitters: Likely benign (2). 1 of the submissions does not count toward it. Last evaluated 2025-09-10.

Conditions:
Peroxisome biogenesis disorder. Identifiers: Orphanet 79189, MedGen C1832200, MONDO:0019234. Disease mechanism: loss of function.
PEX6-related disorder. Also called: PEX6-related condition; PEX6-related disorders.

Allele frequency attached by ClinVar (database versions not stated): ExAC 0.00002; gnomAD 0.00002.
gnomAD v4.1: 69 of 1,613,914 alleles (0.0043%); highest among the groups gnomAD compares: Non-Finnish European, 0.0056%; no homozygotes.

Submissions (3):

Labcorp Genetics (formerly Invitae), Labcorp
Classification: Likely benign for Peroxisome biogenesis disorder. Last evaluated: 2025-09-10. Review status: criteria provided, single submitter. Criteria: Invitae Variant Classification Sherloc (09022015). Collection method: clinical testing. Allele origin: germline.

Blueprint Genetics
Classification: Likely benign. Last evaluated: 2021-05-24. Review status: criteria provided, single submitter. Criteria: ACMG Guidelines, 2015. Collection method: clinical testing. Allele origin: germline.

PreventionGenetics, part of Exact Sciences
Classification: Likely benign for PEX6-related condition. Last evaluated: 2022-03-16. Review status: no assertion criteria provided. Collection method: clinical testing. Allele origin: germline. Not counted in ClinVar's aggregate classification.
Comment: This variant is classified as likely benign based on ACMG/AMP sequence variant interpretation guidelines (Richards et al. 2015 PMID: 25741868, with internal and published modifications).